The following is an entry in ClinVar:

NM_144687.4(NLRP12):c.1710G>C (p.Glu570Asp)

Gene: NLRP12 (NLR family pyrin domain containing 12; minus strand). Cytogenetic location: 19q13.42.
Variant type: single nucleotide variant.
Coding change: c.1710G>C on transcript NM_144687.4 (MANE Select); coding-DNA position 1710, G replaced by C.
Protein change: p.Glu570Asp; replaces glutamic acid 570 with aspartic acid.
Molecular consequence: missense variant.
Genome position (GRCh38, 1-based): chr19:53,809,949, C>G on the plus strand (G>C on the coding strand, the complement: NLRP12 is on the minus strand). VCF-style: chr19-53809949-C-G. GRCh37 (hg19) VCF-style: chr19-54313203-C-G.
Other names: c.1710G>C, p.Glu570Asp (NM_001277126.2, NM_001277129.1); short protein forms E570D.
Identifiers: ClinVar variation 3300029 (VCV003300029.2).

ClinVar aggregate classification (germline): Uncertain significance. Review status: criteria provided, multiple submitters, no conflicts (2 of 4 stars). 2 submissions from 2 submitters: Uncertain significance (2). Last evaluated 2025-12-20.

Conditions:
Familial cold autoinflammatory syndrome 2 (FCAS2). Identifiers: Orphanet 247868, MedGen C2673198, MONDO:0012724, OMIM 611762.
Inborn genetic diseases. Identifiers: MedGen C0950123, MeSH D030342.

gnomAD v4.1: 6 of 1,614,154 alleles (0.00037%); highest among the groups gnomAD compares: East Asian, 0.0022%; no homozygotes.

Submissions (2):

Labcorp Genetics (formerly Invitae), Labcorp
Classification: Uncertain significance for Familial cold autoinflammatory syndrome 2. Last evaluated: 2025-12-20. Review status: criteria provided, single submitter. Criteria: Invitae Variant Classification Sherloc (09022015). Collection method: clinical testing. Allele origin: germline.
Comment: This sequence change replaces glutamic acid, which is acidic and polar, with aspartic acid, which is acidic and polar, at codon 570 of the NLRP12 protein (p.Glu570Asp). This variant is present in population databases (rs779347258, gnomAD 0.006%). This variant has not been reported in the literature in individuals affected with NLRP12-related conditions. ClinVar contains an entry for this variant (Variation ID: 3300029). Invitae Evidence Modeling of protein sequence and biophysical properties (such as structural, functional, and spatial information, amino acid conservation, physicochemical variation, residue mobility, and thermodynamic stability) indicates that this missense variant is not expected to disrupt NLRP12 protein function with a negative predictive value of 80%. In summary, the available evidence is currently insufficient to determine the role of this variant in disease. Therefore, it has been classified as a Variant of Uncertain Significance.

Ambry Genetics
Classification: Uncertain significance for Inborn genetic diseases. Last evaluated: 2024-03-28. Review status: criteria provided, single submitter. Criteria: Ambry Variant Classification Scheme 2023. Collection method: clinical testing. Allele origin: germline.